The following is an entry in ClinVar:

NM_031220.4(PITPNM3):c.26G>A (p.Gly9Asp)

Gene: PITPNM3 (PITPNM family member 3; minus strand). Cytogenetic location: 17p13.1.
Variant type: single nucleotide variant.
Coding change: c.26G>A on transcript NM_031220.4 (MANE Select); coding-DNA position 26, G replaced by A.
Protein change: p.Gly9Asp; replaces glycine 9 with aspartic acid.
Molecular consequence: missense variant.
Genome position (GRCh38, 1-based): chr17:6,538,079, C>T on the plus strand (G>A on the coding strand, the complement: PITPNM3 is on the minus strand). VCF-style: chr17-6538079-C-T. GRCh37 (hg19) VCF-style: chr17-6441399-C-T.
Other names: c.26G>A, p.Gly9Asp (NM_001165966.2); short protein forms G9D.
Identifiers: ClinVar variation 1047814 (VCV001047814.9), dbSNP rs757737539, ClinGen allele CA397403044.

ClinVar aggregate classification (germline): Uncertain significance (1 of 4 stars; one submission).

gnomAD v4.1: 1 of 1,608,192 alleles (0.000062%); highest among the groups gnomAD compares: East Asian, 0.0022%; no homozygotes.

Submission:

Labcorp Genetics (formerly Invitae), Labcorp
Classification: Uncertain significance. Last evaluated: 2024-02-29. Review status: criteria provided, single submitter. Criteria: Invitae Variant Classification Sherloc (09022015). Collection method: clinical testing. Allele origin: germline.
Comment: This sequence change replaces glycine, which is neutral and non-polar, with aspartic acid, which is acidic and polar, at codon 9 of the PITPNM3 protein (p.Gly9Asp). This variant is not present in population databases (gnomAD no frequency). This variant has not been reported in the literature in individuals affected with PITPNM3-related conditions. ClinVar contains an entry for this variant (Variation ID: 1047814). Advanced modeling of protein sequence and biophysical properties (such as structural, functional, and spatial information, amino acid conservation, physicochemical variation, residue mobility, and thermodynamic stability) performed at Invitae indicates that this missense variant is not expected to disrupt PITPNM3 protein function with a negative predictive value of 80%. In summary, the available evidence is currently insufficient to determine the role of this variant in disease. Therefore, it has been classified as a Variant of Uncertain Significance.